The following is an entry in ClinVar:

ClinVar aggregate classification (germline): Uncertain significance (1 of 4 stars; one submission).

Allele frequency attached by ClinVar (database versions not stated): gnomAD exomes below 0.00001; TOPMed below 0.00001.
gnomAD v4.1: 2 of 1,200,299 alleles (0.00017%); highest among the groups gnomAD compares: Admixed American, 0.0045%; no homozygotes.

Submission:

Labcorp Genetics (formerly Invitae), Labcorp
Classification: Uncertain significance. Last evaluated: 2025-06-04. Review status: criteria provided, single submitter. Criteria: Invitae Variant Classification Sherloc (09022015). Collection method: clinical testing. Allele origin: germline.
Comment: This sequence change replaces glutamic acid, which is acidic and polar, with lysine, which is basic and polar, at codon 1732 of the CACNA1F protein (p.Glu1732Lys). This variant is not present in population databases (gnomAD no frequency). This variant has not been reported in the literature in individuals affected with CACNA1F-related conditions. ClinVar contains an entry for this variant (Variation ID: 1931752). An algorithm developed to predict the effect of missense changes on protein structure and function (PolyPhen-2) suggests that this variant is likely to be tolerated. Algorithms developed to predict the effect of sequence changes on RNA splicing suggest that this variant may disrupt the consensus splice site. In summary, the available evidence is currently insufficient to determine the role of this variant in disease. Therefore, it has been classified as a Variant of Uncertain Significance.

NM_001256789.3(CACNA1F):c.5161G>A (p.Glu1721Lys)

Gene: CACNA1F (calcium voltage-gated channel subunit alpha1 F; minus strand). Cytogenetic location: Xp11.23.
Variant type: single nucleotide variant.
Coding change: c.5161G>A on transcript NM_001256789.3 (MANE Select); coding-DNA position 5161, G replaced by A.
Protein change: p.Glu1721Lys; replaces glutamic acid 1721 with lysine.
Molecular consequence: missense variant.
Genome position (GRCh38, 1-based): chrX:49,207,075, C>T on the plus strand (G>A on the coding strand, the complement: CACNA1F is on the minus strand). VCF-style: chrX-49207075-C-T. GRCh37 (hg19) VCF-style: chrX-49063536-C-T.
Other names: c.4999G>A, p.Glu1667Lys (NM_001256790.3); c.5194G>A, p.Glu1732Lys (NM_005183.4); short protein forms E1721K, E1667K, E1732K.
Identifiers: ClinVar variation 1931752 (VCV001931752.5), dbSNP rs2065605612, ClinGen allele CA412958739.